The following is an entry in ClinVar:

NM_001042545.2(LTBP4):c.113del (p.Pro38fs)

Gene: LTBP4 (latent transforming growth factor beta binding protein 4; plus strand). Cytogenetic location: 19q13.2.
Variant type: Deletion.
Coding change: c.113del on transcript NM_001042545.2 (MANE Select); coding-DNA position 113, one base deleted (C; older notation c.113delC).
Protein change: p.Pro38fs; shifts the reading frame from proline 38.
Molecular consequence: frameshift variant. On other transcripts: intron variant (2).
Genome position (GRCh38, 1-based): chr19:40,601,500, C deleted; the last of 4 consecutive C bases (chr19:40,601,497-40,601,500); deleting any one gives the same sequence. VCF-style (leftmost placement, unchanged base first): chr19-40601496-AC-A. GRCh37 (hg19) VCF-style: chr19-41107402-AC-A.
Other names: c.340+1323del (NM_003573.2); c.451+1323del (NM_001042544.1); short protein forms P38fs.
Identifiers: ClinVar variation 3069146 (VCV003069146.1), dbSNP rs1475578735, ClinGen allele CA633467243.

ClinVar aggregate classification (germline): Pathogenic (1 of 4 stars; one submission).

Conditions:
Cutis laxa with severe pulmonary, gastrointestinal and urinary anomalies. Also called: Cutis laxa, autosomal recessive, type IC; URBAN-RIFKIN-DAVIS SYNDROME; LTBP4-Related Cutis Laxa. Identifiers: Orphanet 221145, MedGen C2750804, MONDO:0013170, OMIM 613177. Disease mechanism: loss of function.

Submission:

Illumina Laboratory Services, Illumina
Classification: Pathogenic for Cutis laxa with severe pulmonary, gastrointestinal and urinary anomalies. Last evaluated: 2022-03-11. Review status: criteria provided, single submitter. Criteria: ICSLVariantClassificationCriteria RUGD 01 April 2020. Collection method: clinical testing. Allele origin: unknown.
Comment: The LTBP4 c.113delC p.(Pro38ArgfsTer51) variant causes a shift in the protein reading frame that is predicted to result in premature termination of the protein. Loss of normal protein function through either protein truncation or nonsense-mediated mRNA decay is expected. To our knowledge, this variant has not been reported in the peer-reviewed literature. This variant is not observed in version 2.1.1 or version 3.1.2 of the Genome Aggregation Database. Based on the available evidence, the c.113delC p.(Pro38ArgfsTer51) variant is classified as pathogenic for cutis laxa with severe pulmonary, gastrointestinal, and urinary abnormalities.